The following is an entry in ClinVar:

NM_133448.3(TMEM132D):c.894C>T (p.Thr298=)

Gene: TMEM132D (transmembrane protein 132D; minus strand). Cytogenetic location: 12q24.33.
Variant type: single nucleotide variant.
Coding change: c.894C>T on transcript NM_133448.3 (MANE Select); coding-DNA position 894, C replaced by T.
Protein change: p.Thr298=; no amino-acid change (threonine 298 retained).
Molecular consequence: synonymous variant.
Genome position (GRCh38, 1-based): chr12:129,699,884, G>A on the plus strand (C>T on the coding strand, the complement: TMEM132D is on the minus strand). VCF-style: chr12-129699884-G-A. GRCh37 (hg19) VCF-style: chr12-130184429-G-A.
Identifiers: ClinVar variation 3053655 (VCV003053655.2), dbSNP rs184778944, ClinGen allele CA6876270.

ClinVar aggregate classification (germline): Likely benign (0 of 4 stars; one submission).

Conditions:
TMEM132D-related disorder. Also called: TMEM132D-related condition.

Allele frequency attached by ClinVar (database versions not stated): TOPMed 0.00005; ExAC 0.00012; 1000 Genomes Project 30x 0.00016; 1000 Genomes Project 0.00020.
gnomAD v4.1: 29 of 1,614,162 alleles (0.0018%); highest among the groups gnomAD compares: East Asian, 0.049%; no homozygotes.

Submission:

PreventionGenetics, part of Exact Sciences
Classification: Likely benign for TMEM132D-related condition. Last evaluated: 2019-08-21. Review status: no assertion criteria provided. Collection method: clinical testing. Allele origin: germline.
Comment: This variant is classified as likely benign based on ACMG/AMP sequence variant interpretation guidelines (Richards et al. 2015 PMID: 25741868, with internal and published modifications).